The following is an entry in ClinVar:

ClinVar aggregate classification (germline): Pathogenic. Review status: criteria provided, multiple submitters, no conflicts (2 of 4 stars). 5 submissions from 5 submitters: Pathogenic (5). Last evaluated 2025-07-09.

Conditions:
Rare genetic deafness. Identifiers: Orphanet 96210, MedGen C5680250.
Autosomal recessive nonsyndromic hearing loss 77. Identifiers: Orphanet 90636, MedGen C2746083, MONDO:0013119, OMIM 613079.

Allele frequency attached by ClinVar (database versions not stated): TOPMed 0.00006; ExAC 0.00004; ESP Exome Variant Server 0.00022.

Submissions (5):

Natera, Inc.
Classification: Pathogenic for Autosomal recessive deafness type 77. Last evaluated: 2025-07-09. Review status: criteria provided, single submitter. Criteria: Natera Variant Classification Schema (03/2026). Collection method: clinical testing. Allele origin: germline.
Comment: The c.4099G>T variant in LOXHD1 is a nonsense variant predicted to introduce a stop codon at amino acid 1367. This variant is expected to result in nonsense mediated decay, truncation, or a dysfunctional protein product. This variant is rare in the general population with a frequency below the threshold expected for the associated phenotype(s). This variant has been observed in one or more individuals affected with the associated recessive disease, as either homozygous or compound heterozygous with a second variant (PMID: 26969326). Given the available evidence, this variant is classified as Pathogenic.

Myriad Genetics, Inc.
Classification: Pathogenic for Autosomal recessive nonsyndromic hearing loss 77. Last evaluated: 2024-05-06. Review status: criteria provided, single submitter. Criteria: Myriad Autosomal Dominant, Autosomal Recessive and X-Linked Classification Criteria (2023). Collection method: clinical testing. Allele origin: unknown.
Comment: NM_144612.6(LOXHD1):c.4099G>T(E1367*) is expected to be pathogenic in the context of nonsyndromic hearing loss, LOXHD1-related. This variant is predicted to lead to an abnormal or absent protein product due to the creation of a premature termination codon in LOXHD1, a gene where loss-of-function variants are known to be pathogenic. Please note: this variant was assessed in the context of healthy population screening.

Labcorp Genetics (formerly Invitae), Labcorp
Classification: Pathogenic. Last evaluated: 2022-05-07. Review status: criteria provided, single submitter. Criteria: Invitae Variant Classification Sherloc (09022015). Collection method: clinical testing. Allele origin: germline.
Comment: ClinVar contains an entry for this variant (Variation ID: 163910). Algorithms developed to predict the effect of sequence changes on RNA splicing suggest that this variant may disrupt the consensus splice site. For these reasons, this variant has been classified as Pathogenic. This sequence change creates a premature translational stop signal (p.Glu1367*) in the LOXHD1 gene. It is expected to result in an absent or disrupted protein product. Loss-of-function variants in LOXHD1 are known to be pathogenic (PMID: 19732867, 21465660, 25792669). This variant is present in population databases (rs373937326, gnomAD 0.008%). This premature translational stop signal has been observed in individual(s) with hearing loss (PMID: 29676012).

Fulgent Genetics
Classification: Pathogenic for Autosomal recessive nonsyndromic hearing loss 77. Last evaluated: 2018-10-31. Review status: criteria provided, single submitter. Criteria: ACMG Guidelines, 2015. Collection method: clinical testing. Allele origin: unknown.

Laboratory for Molecular Medicine, Mass General Brigham Personalized Medicine
Classification: Pathogenic for Rare genetic deafness. Last evaluated: 2013-11-26. Review status: criteria provided, single submitter. Criteria: LMM Criteria. Collection method: clinical testing. Allele origin: germline. Inheritance: Autosomal recessive inheritance. Observed: 1 variant allele.
Comment: The Glu1367X variant in LOXHD1 has not been previously reported in individuals w ith hearing loss or in large population studies. This nonsense variant leads to a premature termination codon at position 1367, which is predicted to lead to a truncated or absent protein. Homozygous loss of function of the LOXHD1 gene is a n established disease mechanism in hearing loss patients. In summary, this varia nt meets our criteria to be classified as pathogenic (LMM) based upon the predicted loss of function of the gene.

Literature cited by the submitters: PubMed 26969326 (cited by Natera, Inc.); PubMed 19732867 (cited by Labcorp Genetics (formerly Invitae), Labcorp and Laboratory for Molecular Medicine, Mass General Brigham Personalized Medicine); PubMed 21465660 (cited by Labcorp Genetics (formerly Invitae), Labcorp and Laboratory for Molecular Medicine, Mass General Brigham Personalized Medicine); PubMed 25792669 (cited by Labcorp Genetics (formerly Invitae), Labcorp); PubMed 29676012 (cited by Labcorp Genetics (formerly Invitae), Labcorp).

NM_001384474.1(LOXHD1):c.4099G>T (p.Glu1367Ter)

Gene: LOXHD1 (lipoxygenase homology PLAT domains 1; minus strand). Cytogenetic location: 18q21.1.
Variant type: single nucleotide variant.
Coding change: c.4099G>T on transcript NM_001384474.1 (MANE Select); coding-DNA position 4099, G replaced by T.
Protein change: p.Glu1367Ter; replaces glutamic acid 1367 with a stop codon.
Molecular consequence: nonsense.
Genome position (GRCh38, 1-based): chr18:46,534,448, C>A on the plus strand (G>T on the coding strand, the complement: LOXHD1 is on the minus strand). VCF-style: chr18-46534448-C-A. GRCh37 (hg19) VCF-style: chr18-44114411-C-A.
Other names: c.766G>T, p.Glu256Ter (NM_001145472.3); c.478G>T, p.Glu160Ter (NM_001308013.2); c.4099G>T, p.Glu1367Ter (NM_144612.7); short protein forms E1367*, E160*, E256*.
Identifiers: ClinVar variation 163910 (VCV000163910.15), dbSNP rs373937326, ClinGen allele CA273164.